The following is an entry in ClinVar:

NM_004370.6(COL12A1):c.8856C>T (p.Ser2952=)

Gene: COL12A1 (collagen type XII alpha 1 chain; minus strand). Cytogenetic location: 6q13.
Variant type: single nucleotide variant.
Coding change: c.8856C>T on transcript NM_004370.6 (MANE Select); coding-DNA position 8856, C replaced by T.
Protein change: p.Ser2952=; no amino-acid change (serine 2952 retained).
Molecular consequence: synonymous variant.
Genome position (GRCh38, 1-based): chr6:75,090,195, G>A on the plus strand (C>T on the coding strand, the complement: COL12A1 is on the minus strand). VCF-style: chr6-75090195-G-A. GRCh37 (hg19) VCF-style: chr6-75799911-G-A.
Other names: c.5364C>T, p.Ser1788= (NM_080645.3).
Identifiers: ClinVar variation 714795 (VCV000714795.54), dbSNP rs375760724, ClinGen allele CA3892094.

ClinVar aggregate classification (germline): Likely benign. Review status: criteria provided, multiple submitters, no conflicts (2 of 4 stars). 6 submissions from 6 submitters: Likely benign (5). 1 of the submissions does not count toward it. Last evaluated 2025-12-06.

Conditions:
COL12A1-related disorder. Also called: COL12A1-related condition.
Ullrich congenital muscular dystrophy 2 (UCMD2). Identifiers: Orphanet 75840, MedGen C4225314, MONDO:0014654, OMIM 616470.
Bethlem myopathy 2 (BTHLM2). Identifiers: Orphanet 536516, Orphanet 610, MedGen C4225313, MONDO:0034022, OMIM 616471.

Allele frequency attached by ClinVar (database versions not stated): gnomAD exomes 0.00005 and 0.00006; ESP Exome Variant Server 0.00008; gnomAD 0.00008 and 0.00009; TOPMed 0.00008; ExAC 0.00003.
gnomAD v4.1: 108 of 1,613,946 alleles (0.0067%); highest among the groups gnomAD compares: East Asian, 0.0089%; no homozygotes.

Submissions (6):

Labcorp Genetics (formerly Invitae), Labcorp
Classification: Likely benign for Bethlem myopathy 2; Ullrich congenital muscular dystrophy 2. Last evaluated: 2025-12-06. Review status: criteria provided, single submitter. Criteria: Invitae Variant Classification Sherloc (09022015). Collection method: clinical testing. Allele origin: germline.

Women's Health and Genetics/Laboratory Corporation of America, LabCorp
Classification: Likely benign. Last evaluated: 2025-06-19. Review status: criteria provided, single submitter. Criteria: LabCorp Variant Classification Summary - May 2015. Collection method: clinical testing. Allele origin: germline.

Blueprint Genetics
Classification: Likely benign. Last evaluated: 2024-05-03. Review status: criteria provided, single submitter. Criteria: ACMG Guidelines, 2015. Collection method: clinical testing. Allele origin: germline.

CeGaT Center for Human Genetics Tuebingen
Classification: Likely benign. Last evaluated: 2023-12-01. Review status: criteria provided, single submitter. Criteria: CeGaT Center For Human Genetics Tuebingen Variant Classification Criteria Version 2. Collection method: clinical testing. Allele origin: germline. Affected: yes. Observed: 2 variant alleles.
Comment: COL12A1: BP4, BP7

GeneDx
Classification: Likely benign. Last evaluated: 2020-09-02. Review status: criteria provided, single submitter. Criteria: GeneDx Variant Classification Process June 2021. Collection method: clinical testing. Allele origin: germline. Affected: yes.

PreventionGenetics, part of Exact Sciences
Classification: Likely benign for COL12A1-related condition. Last evaluated: 2020-07-20. Review status: no assertion criteria provided. Collection method: clinical testing. Allele origin: germline. Not counted in ClinVar's aggregate classification.
Comment: This variant is classified as likely benign based on ACMG/AMP sequence variant interpretation guidelines (Richards et al. 2015 PMID: 25741868, with internal and published modifications).